The following is an entry in ClinVar:

NM_003872.3(NRP2):c.1674T>G (p.Pro558=)

Gene: NRP2 (neuropilin 2; plus strand). Cytogenetic location: 2q33.3.
Variant type: single nucleotide variant.
Coding change: c.1674T>G on transcript NM_003872.3 (MANE Select); coding-DNA position 1674, T replaced by G.
Protein change: p.Pro558=; no amino-acid change (proline 558 retained).
Molecular consequence: synonymous variant.
Genome position (GRCh38, 1-based): chr2:205,745,778, T>G. VCF-style: chr2-205745778-T-G. GRCh37 (hg19) VCF-style: chr2-206610502-T-G.
Other names: c.1674T>G, p.Pro558= (NM_018534.4, NM_201266.2, NM_201267.2 and 1 more transcripts).
Identifiers: ClinVar variation 3060291 (VCV003060291.2), dbSNP rs849563, ClinGen allele CA2069160.

ClinVar aggregate classification (germline): Benign (0 of 4 stars; one submission).

Conditions:
NRP2-related disorder. Also called: NRP2-related condition.

Allele frequency attached by ClinVar (database versions not stated): ESP Exome Variant Server 0.15747; gnomAD 0.16850; TOPMed 0.17482; 1000 Genomes Project 30x 0.24953; 1000 Genomes Project 0.25599.
gnomAD v4.1: 253,196 of 1,614,010 alleles (16%); highest among the groups gnomAD compares: East Asian, 47%; 23,123 homozygotes.

Submission:

PreventionGenetics, part of Exact Sciences
Classification: Benign for NRP2-related condition. Last evaluated: 2022-08-19. Review status: no assertion criteria provided. Collection method: clinical testing. Allele origin: germline.
Comment: This variant is classified as benign based on ACMG/AMP sequence variant interpretation guidelines (Richards et al. 2015 PMID: 25741868, with internal and published modifications).